The following is an entry in ClinVar:

NM_000317.3(PTS):c.73C>T (p.Arg25Ter)

Genes: PTS (6-pyruvoyltetrahydropterin synthase; plus strand), LOC130006765 (ATAC-STARR-seq lymphoblastoid silent region 3906; plus strand). Cytogenetic location: 11q23.1.
Variant type: single nucleotide variant.
Coding change: c.73C>T on transcript NM_000317.3 (MANE Select); coding-DNA position 73, C replaced by T.
Protein change: p.Arg25Ter; replaces arginine 25 with a stop codon.
Molecular consequence: nonsense.
Genome position (GRCh38, 1-based): chr11:112,226,516, C>T. VCF-style: chr11-112226516-C-T. GRCh37 (hg19) VCF-style: chr11-112097239-C-T.
Other names: short protein forms R25*.
Identifiers: ClinVar variation 859996 (VCV000859996.20), dbSNP rs1167104933, ClinGen allele CA382626555.

ClinVar aggregate classification (germline): Pathogenic. Review status: criteria provided, multiple submitters, no conflicts (2 of 4 stars). 4 submissions from 4 submitters: Pathogenic (4). Last evaluated 2025-06-25.

Conditions:
6-Pyruvoyl-tetrahydrobiopterin synthase deficiency. Also called: Hyperphenylalanemia, BH4-deficient, A; Hyperphenylalaninemia due to 6-pyruvoyl-tetrahydropterin synthase deficiency; PTS DEFICIENCY; PTS-Related Tetrahydrobiopterin Deficiency; HYPERPHENYLALANINEMIA, TETRAHYDROBIOPTERIN-DEFICIENT, DUE TO PTS DEFICIENCY; 6-Pyruvoyltetrahydropterin Synthase Deficiency. Identifiers: Orphanet 13, Orphanet 238583, MedGen C0878676, MONDO:0009863, OMIM 261640.

gnomAD v4.1: 5 of 1,583,174 alleles (0.00032%); highest among the groups gnomAD compares: Admixed American, 0.0075%; no homozygotes.

Submissions (4):

Natera, Inc.
Classification: Pathogenic for 6-Pyruvoyl-tetrahydrobiopterin synthase deficiency. Last evaluated: 2025-06-25. Review status: criteria provided, single submitter. Criteria: Natera Variant Classification Schema (03/2026). Collection method: clinical testing. Allele origin: germline.
Comment: The c.73C>T variant in PTS is a nonsense variant predicted to introduce a stop codon at amino acid 25. This variant is expected to result in nonsense mediated decay, truncation, or a dysfunctional protein product. This variant is rare in the general population with a frequency below the threshold expected for the associated phenotype(s). This variant has been observed in one or more individuals affected with the associated recessive disease, as either homozygous or compound heterozygous with a second variant (PMID: 29685341). Given the available evidence, this variant is classified as Pathogenic.

Labcorp Genetics (formerly Invitae), Labcorp
Classification: Pathogenic for 6-Pyruvoyl-tetrahydrobiopterin synthase deficiency. Last evaluated: 2024-12-23. Review status: criteria provided, single submitter. Criteria: Invitae Variant Classification Sherloc (09022015). Collection method: clinical testing. Allele origin: germline.
Comment: This sequence change creates a premature translational stop signal (p.Arg25*) in the PTS gene. It is expected to result in an absent or disrupted protein product. Loss-of-function variants in PTS are known to be pathogenic (PMID: 3297709, 16917893). The frequency data for this variant in the population databases is considered unreliable, as metrics indicate poor data quality at this position in the gnomAD database. This premature translational stop signal has been observed in individual(s) with PTPS deficiency or hyperphenylalaninemia (PMID: 22237589, 29499199). ClinVar contains an entry for this variant (Variation ID: 859996). For these reasons, this variant has been classified as Pathogenic.

Women's Health and Genetics/Laboratory Corporation of America, LabCorp
Classification: Pathogenic for 6-Pyruvoyl-tetrahydrobiopterin synthase deficiency. Last evaluated: 2023-12-13. Review status: criteria provided, single submitter. Criteria: LabCorp Variant Classification Summary - May 2015. Collection method: clinical testing. Allele origin: germline.
Comment: Variant summary: PTS c.73C>T (p.Arg25X) results in a premature termination codon, predicted to cause a truncation of the encoded protein or absence of the protein due to nonsense mediated decay, which are commonly known mechanisms for disease. The variant allele was found at a frequency of 1e-05 in 195620 control chromosomes. c.73C>T has been reported in the literature in the compound heterozygous state in individuals affected with 6-Pyruvoyl-Tetrahydropterin Synthase Deficiency (e.g. Vela-Amieva_2022). These data indicate that the variant is likely associated with disease. To our knowledge, no experimental evidence demonstrating an impact on protein function has been reported. The following publication has been ascertained in the context of this evaluation (PMID: 36313470). Two submitters have cited clinical-significance assessments for this variant to ClinVar after 2014. All submitters classified the variant as pathogenic. Based on the evidence outlined above, the variant was classified as pathogenic.

Juno Genomics, Hangzhou Juno Genomics, Inc
Classification: Pathogenic for 6-Pyruvoyl-tetrahydrobiopterin synthase deficiency. Review status: criteria provided, single submitter. Criteria: ACMG Guidelines, 2015. Collection method: clinical testing. Allele origin: germline.
Comment: Absent from controls (or at extremely low frequency if recessive) in Genome Aggregation Database.;Null variant in a gene where loss of function (LOF) is a known mechanism of disease.;For recessive disorders, detected in trans with a pathogenic variant.;Co-segregation with disease in multiple affected family members.

Literature cited by the submitters: PubMed 29685341 (cited by Natera, Inc.); PubMed 3297709 (cited by Labcorp Genetics (formerly Invitae), Labcorp); PubMed 16917893 (cited by Labcorp Genetics (formerly Invitae), Labcorp); PubMed 22237589 (cited by Labcorp Genetics (formerly Invitae), Labcorp); PubMed 29499199 (cited by Labcorp Genetics (formerly Invitae), Labcorp); PubMed 36313470 (cited by Women's Health and Genetics/Laboratory Corporation of America, LabCorp).